The following is an entry in ClinVar:

NM_000271.5(NPC1):c.*164T>C

Gene: NPC1 (NPC intracellular cholesterol transporter 1; minus strand). Cytogenetic location: 18q11.2.
Variant type: single nucleotide variant.
Coding change: c.*164T>C on transcript NM_000271.5 (MANE Select); 164 bases downstream of the stop codon, T replaced by C.
Molecular consequence: 3 prime UTR variant.
Genome position (GRCh38, 1-based): chr18:23,532,038, A>G on the plus strand (T>C on the coding strand, the complement: NPC1 is on the minus strand). VCF-style: chr18-23532038-A-G. GRCh37 (hg19) VCF-style: chr18-21112002-A-G.
Identifiers: ClinVar variation 326246 (VCV000326246.8), dbSNP rs8086463, ClinGen allele CA10650617.
Genomic context (GRCh38, chr18:23,532,038, plus strand): 5'-TGGGAGAAGTTTAGTGTCCTGTGGTTGCCTCCAGATCTAGTAATACTGCTTCCCAAGTCA[A>G]CTGTGCATTCCTGAGTTCACAGGCGCTACGTTCAAAGCTGCTGCCAAACAACCGATGGTT-3'

ClinVar aggregate classification (germline): Benign/Likely benign. Review status: criteria provided, multiple submitters, no conflicts (2 of 4 stars). 3 submissions from 3 submitters: Benign (1); Likely benign (2). Last evaluated 2018-07-14.

Conditions:
Niemann-Pick disease, type C1. Also called: NIEMANN-PICK DISEASE, VARIANT TYPE C1; NEUROVISCERAL STORAGE DISEASE WITH VERTICAL SUPRANUCLEAR OPHTHALMOPLEGIA; NIEMANN-PICK DISEASE WITH CHOLESTEROL ESTERIFICATION BLOCK; NIEMANN-PICK DISEASE WITHOUT SPHINGOMYELINASE DEFICIENCY; NIEMANN-PICK DISEASE, CHRONIC NEURONOPATHIC FORM. Identifiers: Orphanet 646, MedGen C3179455, MONDO:0009757, OMIM 257220.

Allele frequency attached by ClinVar (database versions not stated): gnomAD exomes 0.00115; gnomAD 0.01070 and 0.01169; TOPMed 0.01251; 1000 Genomes Project 0.01338; 1000 Genomes Project 30x 0.01343.
gnomAD v4.1: 3,358 of 1,558,884 alleles (0.22%); highest among the groups gnomAD compares: African/African-American, 3.8%; 63 homozygotes.

Submissions (3):

GeneDx
Classification: Likely benign. Last evaluated: 2018-07-14. Review status: criteria provided, single submitter. Criteria: GeneDx Variant Classification Process June 2021. Collection method: clinical testing. Allele origin: germline. Affected: yes.

Illumina Laboratory Services, Illumina
Classification: Benign for Niemann-Pick disease type C1. Last evaluated: 2018-01-13. Review status: criteria provided, single submitter. Criteria: ICSL Variant Classification Criteria 13 December 2019. Collection method: clinical testing. Allele origin: germline.
Comment: This variant was observed in the ICSL laboratory as part of a predisposition screen in an ostensibly healthy population. It had not been previously curated by ICSL or reported in the Human Gene Mutation Database (HGMD: prior to June 1st, 2018), and was therefore a candidate for classification through an automated scoring system. Utilizing variant allele frequency, disease prevalence and penetrance estimates, and inheritance mode, an automated score was calculated to assess if this variant is too frequent to cause the disease. Based on the score and internal cut-off values, a variant classified as benign is not then subjected to further curation. The score for this variant resulted in a classification of benign for this disease.

Breakthrough Genomics
Classification: Likely benign. Review status: criteria provided, single submitter. Criteria: ACMG Guidelines, 2015. Collection method: not provided. Allele origin: germline. Inheritance: Autosomal recessive inheritance. Affected: yes.